The following is an entry in ClinVar:

NC_000023.10:g.(?_32456338)_(32466775_?)del

Gene: DMD (dystrophin; minus strand). Cytogenetic location: Xp21.1.
Variant type: Deletion.
Identifiers: ClinVar variation 3247226 (VCV003247226.1).

ClinVar aggregate classification (germline): Pathogenic (1 of 4 stars; one submission).

Conditions:
Duchenne muscular dystrophy (DMD). Also called: MUSCULAR DYSTROPHY, PSEUDOHYPERTROPHIC PROGRESSIVE, DUCHENNE TYPE; Duchenne Muscular Dystrophy (DMD). Identifiers: Orphanet 98896, MedGen C0013264, MONDO:0010679, OMIM 310200.

Submission:

Labcorp Genetics (formerly Invitae), Labcorp
Classification: Pathogenic for Duchenne muscular dystrophy. Last evaluated: 2022-12-21. Review status: criteria provided, single submitter. Criteria: Invitae Variant Classification Sherloc (09022015). Collection method: clinical testing. Allele origin: unknown.
Comment: This variant has not been reported in the literature in individuals affected with DMD-related conditions. For these reasons, this variant has been classified as Pathogenic. The region of the DMD gene that includes exon(s) 27 has been determined to be clinically significant (PMID: 20036901). Therefore, deletions that encompass that region are likely to be disease-causing. This variant is a gross deletion of the genomic region encompassing exon(s) 27-29 of the DMD gene. This variant would be expected to be in-frame, preserving the integrity of the reading frame.

Literature cited by the submitters: PubMed 20036901.